The following is an entry in ClinVar:

ClinVar aggregate classification (germline): Uncertain significance (1 of 4 stars; one submission).

gnomAD v4.1: 41 of 1,577,674 alleles (0.0026%); highest among the groups gnomAD compares: East Asian, 0.025%; no homozygotes.

Submission:

GeneDx
Classification: Uncertain significance. Last evaluated: 2025-02-11. Review status: criteria provided, single submitter. Criteria: GeneDx Variant Classification Process June 2021. Collection method: clinical testing. Allele origin: germline. Affected: yes.
Comment: Has not been previously published as pathogenic or benign to our knowledge; In silico analysis suggests this variant may impact gene splicing. In the absence of RNA/functional studies, the actual effect of this sequence change is unknown.

NM_001042545.2(LTBP4):c.1810+5G>A

Gene: LTBP4 (latent transforming growth factor beta binding protein 4; plus strand). Cytogenetic location: 19q13.2.
Variant type: single nucleotide variant.
Coding change: c.1810+5G>A on transcript NM_001042545.2 (MANE Select); 5 bases into the intron after coding-DNA position 1810, G replaced by A.
Molecular consequence: intron variant.
Genome position (GRCh38, 1-based): chr19:40,610,662, G>A. VCF-style: chr19-40610662-G-A. GRCh37 (hg19) VCF-style: chr19-41116568-G-A.
Other names: c.1900+5G>A (NM_003573.2); c.2011+5G>A (NM_001042544.1).
Identifiers: ClinVar variation 4074349 (VCV004074349.1).
Genomic context (GRCh38, chr19:40,610,662, plus strand): 5'-CCTGTGCGTGTGCCCCGCCGGGTACCAGGCTGCACCGCACGGAGCCAGCTGCCAGGGTGA[G>A]GGCCTGGGAGGGGCAGCTGGGAAGGGGTGTGAGCGGTTGGGTAGAGCGCAGTGATGAGGG-3'